The following is an entry in ClinVar:

NM_006904.7(PRKDC):c.9650G>T (p.Arg3217Met)

Gene: PRKDC (protein kinase, DNA-activated, catalytic subunit; minus strand). Cytogenetic location: 8q11.21.
Variant type: single nucleotide variant.
Coding change: c.9650G>T on transcript NM_006904.7 (MANE Select); coding-DNA position 9650, G replaced by T.
Protein change: p.Arg3217Met; replaces arginine 3217 with methionine.
Molecular consequence: missense variant.
Genome position (GRCh38, 1-based): chr8:47,807,234, C>A on the plus strand (G>T on the coding strand, the complement: PRKDC is on the minus strand). VCF-style: chr8-47807234-C-A. GRCh37 (hg19) VCF-style: chr8-48719795-C-A.
Other names: c.9650G>T, p.Arg3217Met (NM_001081640.2); short protein forms R3217M.
Identifiers: ClinVar variation 3225944 (VCV003225944.1), dbSNP rs2551863825, ClinGen allele CA371137436.

ClinVar aggregate classification (germline): Uncertain significance (1 of 4 stars; one submission).

Submission:

Ambry Genetics
Classification: Uncertain significance. Last evaluated: 2024-01-31. Review status: criteria provided, single submitter. Criteria: Ambry Variant Classification Scheme 2023. Collection method: clinical testing. Allele origin: germline.
Comment: The p.R3217M variant (also known as c.9650G>T), located in coding exon 69 of the PRKDC gene, results from a G to T substitution at nucleotide position 9650. The arginine at codon 3217 is replaced by methionine, an amino acid with similar properties. This amino acid position is conserved. In addition, this alteration is predicted to be tolerated by in silico analysis. Based on the available evidence, the clinical significance of this alteration remains unclear.